The following is an entry in ClinVar:

NM_006648.4(WNK2):c.256G>A (p.Ala86Thr)

Gene: WNK2 (WNK lysine deficient protein kinase 2; plus strand). Cytogenetic location: 9q22.31.
Variant type: single nucleotide variant.
Coding change: c.256G>A on transcript NM_006648.4 (MANE Select); coding-DNA position 256, G replaced by A.
Protein change: p.Ala86Thr; replaces alanine 86 with threonine.
Molecular consequence: missense variant.
Genome position (GRCh38, 1-based): chr9:93,185,185, G>A. VCF-style: chr9-93185185-G-A. GRCh37 (hg19) VCF-style: chr9-95947467-G-A.
Other names: c.256G>A, p.Ala86Thr (NM_001282394.3); short protein forms A86T.
Identifiers: ClinVar variation 3816589 (VCV003816589.1).

ClinVar aggregate classification (germline): Uncertain significance (1 of 4 stars; one submission).

gnomAD v4.1: 3 of 1,188,256 alleles (0.00025%); highest among the groups gnomAD compares: Non-Finnish European, 0.00031%; no homozygotes.

Submission:

Ambry Genetics
Classification: Uncertain significance. Last evaluated: 2024-12-22. Review status: criteria provided, single submitter. Criteria: Ambry Variant Classification Scheme 2023. Collection method: clinical testing. Allele origin: germline.
Comment: The p.A86T variant (also known as c.256G>A), located in coding exon 1 of the WNK2 gene, results from a G to A substitution at nucleotide position 256. The alanine at codon 86 is replaced by threonine, an amino acid with similar properties. This amino acid position is conserved. In addition, this alteration is predicted to be tolerated by in silico analysis. Based on the available evidence, the clinical significance of this variant remains unclear.